The following is an entry in ClinVar:

ClinVar aggregate classification (germline): Uncertain significance. Review status: criteria provided, multiple submitters, no conflicts (2 of 4 stars). 2 submissions from 2 submitters: Uncertain significance (2). Last evaluated 2022-10-22.

Conditions:
Hereditary cancer-predisposing syndrome. Also called: Neoplastic Syndromes, Hereditary; Tumor predisposition; Hereditary Cancer Syndrome; Hereditary neoplastic syndrome. Identifiers: Orphanet 140162, MedGen C0027672, MeSH D009386, MONDO:0015356.
DICER1-related tumor predisposition. Also called: DICER1 syndrome; DICER1-related pleuropulmonary blastoma cancer predisposition syndrome. Identifiers: Orphanet 284343, MedGen C3839822, MONDO:0100216.

Submissions (2):

Ambry Genetics
Classification: Uncertain significance for Hereditary cancer-predisposing syndrome. Last evaluated: 2022-10-22. Review status: criteria provided, single submitter. Criteria: Ambry Variant Classification Scheme 2023. Collection method: clinical testing. Allele origin: germline.
Comment: The p.T1329A variant (also known as c.3985A>G), located in coding exon 20 of the DICER1 gene, results from an A to G substitution at nucleotide position 3985. The threonine at codon 1329 is replaced by alanine, an amino acid with similar properties. This amino acid position is conserved. In addition, this alteration is predicted to be deleterious by in silico analysis. Since supporting evidence is limited at this time, the clinical significance of this alteration remains unclear.

Labcorp Genetics (formerly Invitae), Labcorp
Classification: Uncertain significance for DICER1-related tumor predisposition. Last evaluated: 2022-06-08. Review status: criteria provided, single submitter. Criteria: Invitae Variant Classification Sherloc (09022015). Collection method: clinical testing. Allele origin: germline.
Comment: In summary, the available evidence is currently insufficient to determine the role of this variant in disease. Therefore, it has been classified as a Variant of Uncertain Significance. Algorithms developed to predict the effect of missense changes on protein structure and function are either unavailable or do not agree on the potential impact of this missense change (SIFT: "Tolerated"; PolyPhen-2: "Possibly Damaging"; Align-GVGD: "Class C0"). This variant has not been reported in the literature in individuals affected with DICER1-related conditions. This variant is not present in population databases (gnomAD no frequency). This sequence change replaces threonine, which is neutral and polar, with alanine, which is neutral and non-polar, at codon 1329 of the DICER1 protein (p.Thr1329Ala).

NM_177438.3(DICER1):c.3985A>G (p.Thr1329Ala)

Gene: DICER1 (dicer 1, ribonuclease III; minus strand). Cytogenetic location: 14q32.13.
Variant type: single nucleotide variant.
Coding change: c.3985A>G on transcript NM_177438.3 (MANE Select); coding-DNA position 3985, A replaced by G.
Protein change: p.Thr1329Ala; replaces threonine 1329 with alanine.
Molecular consequence: missense variant. On other transcripts: non-coding transcript variant (6).
Genome position (GRCh38, 1-based): chr14:95,103,411, T>C on the plus strand (A>G on the coding strand, the complement: DICER1 is on the minus strand). VCF-style: chr14-95103411-T-C. GRCh37 (hg19) VCF-style: chr14-95569748-T-C.
Other names: c.3985A>G, p.Thr1329Ala (NM_001195573.1, NM_001271282.3, NM_001291628.2 and 13 more transcripts); c.3703A>G, p.Thr1235Ala (NM_001395686.1); c.3580A>G, p.Thr1194Ala (NM_001395687.1, NM_001395688.1, NM_001395689.1 and 2 more transcripts); c.3418A>G, p.Thr1140Ala (NM_001395691.1); c.2302A>G, p.Thr768Ala (NM_001395697.1); short protein forms T768A, T1235A, T1329A, T1194A, T1140A.
Identifiers: ClinVar variation 1736726 (VCV001736726.7), dbSNP rs2542686299, ClinGen allele CA390873020.